The following is an entry in ClinVar:

ClinVar aggregate classification (germline): Uncertain significance (1 of 4 stars; one submission).

gnomAD v4.1: 9 of 1,586,408 alleles (0.00057%); highest among the groups gnomAD compares: Admixed American, 0.017%; no homozygotes.

Submission:

Labcorp Genetics (formerly Invitae), Labcorp
Classification: Uncertain significance. Last evaluated: 2024-06-13. Review status: criteria provided, single submitter. Criteria: Invitae Variant Classification Sherloc (09022015). Collection method: clinical testing. Allele origin: germline.
Comment: This sequence change falls in intron 7 of the LARP7 gene. It does not directly change the encoded amino acid sequence of the LARP7 protein. It affects a nucleotide within the consensus splice site. This variant is present in population databases (rs752382139, gnomAD 0.01%). This variant has not been reported in the literature in individuals affected with LARP7-related conditions. Variants that disrupt the consensus splice site are a relatively common cause of aberrant splicing (PMID: 17576681, 9536098). Algorithms developed to predict the effect of sequence changes on RNA splicing suggest that this variant is not likely to affect RNA splicing. In summary, the available evidence is currently insufficient to determine the role of this variant in disease. Therefore, it has been classified as a Variant of Uncertain Significance.

Literature cited by the submitters: PubMed 17576681; PubMed 9536098.

NM_016648.4(LARP7):c.997+3A>G

Genes: LARP7 (La ribonucleoprotein 7, transcriptional regulator; plus strand), MIR302CHG (miR-302/367 cluster host gene; minus strand). Cytogenetic location: 4q25.
Variant type: single nucleotide variant.
Coding change: c.997+3A>G on transcript NM_016648.4 (MANE Select); 3 bases into the intron after coding-DNA position 997, A replaced by G.
Molecular consequence: intron variant.
Genome position (GRCh38, 1-based): chr4:112,647,552, A>G. VCF-style: chr4-112647552-A-G. GRCh37 (hg19) VCF-style: chr4-113568708-A-G.
Other names: c.997+3A>G (NM_001267039.4, NM_001370974.1, NM_001370978.1 and 2 more transcripts); c.994+3A>G (NM_001370976.1, NM_001370979.1, NM_001370977.1 and 1 more transcripts); c.760+3A>G (NM_001370982.1, NM_001370981.1).
Identifiers: ClinVar variation 3618458 (VCV003618458.2).
Genomic context (GRCh38, chr4:112,647,552, plus strand): 5'-AAAATTATTCAGAAAGACATCATTAAGGAAGCATCAGAAGCTTCCAAGGAAAATAGAGGT[A>G]AAACTACAAGGTTTTAATTAGATAAAACTAATTAATTTTAATTAATTAGTTTTTAATTAA-3'